The following is an entry in ClinVar:

ClinVar aggregate classification (germline): Conflicting classifications of pathogenicity. Review status: criteria provided, conflicting classifications (1 of 4 stars). 2 submissions from 2 submitters: Likely pathogenic (1); Uncertain significance (1). Last evaluated 2025-11-19.

Conditions:
Cardiovascular phenotype. Identifiers: MedGen CN230736.

Submissions (2):

Ambry Genetics
Classification: Likely pathogenic for Cardiovascular phenotype. Last evaluated: 2025-11-19. Review status: criteria provided, single submitter. Criteria: Ambry Variant Classification Scheme 2023. Collection method: clinical testing. Allele origin: germline.
Comment: The p.I607F variant (also known as c.1819A>T), located in coding exon 7 of the KCNH2 gene, results from an A to T substitution at nucleotide position 1819. The isoleucine at codon 607 is replaced by phenylalanine, an amino acid with highly similar properties. This variant has been detected in the homozygous state in an individual with features consistent with long QT syndrome; heterozygous relatives were reported to have borderline QTc intervals (Aljassar RW et al. Genet Med Open, 2024 Jul;2:101868). In an assay testing KCNH2 function, this variant showed a functionally abnormal result (Aljassar RW et al. Genet Med Open, 2024 Jul;2:101868). This missense alteration is located in a region that has a low rate of benign missense variation (Lek M et al. Nature. 2016 Aug (7616):285-91; DECIPHER: Database of Chromosomal Imbalance and Phenotype in Humans using Ensembl Resources. Firth H.V. et al. 2009. Am.J.Hum.Genet. 84, 524-533 (DOI)). This amino acid position is highly conserved in available vertebrate species. In addition, this alteration is predicted to be deleterious by in silico analysis. This variant is considered to be rare based on population cohorts in the Genome Aggregation Database (gnomAD). Based on the majority of available evidence to date, this variant is likely to be pathogenic.

GeneDx
Classification: Uncertain significance. Last evaluated: 2023-07-07. Review status: criteria provided, single submitter. Criteria: GeneDx Variant Classification Process June 2021. Collection method: clinical testing. Allele origin: germline. Affected: yes.
Comment: Not observed at significant frequency in large population cohorts (gnomAD); In silico analysis supports that this missense variant has a deleterious effect on protein structure/function; Has not been previously published as pathogenic or benign to our knowledge

Literature cited by the submitters: PubMed 39669639 (cited by Ambry Genetics).

NM_000238.4(KCNH2):c.1819A>T (p.Ile607Phe)

Gene: KCNH2 (potassium voltage-gated channel subfamily H member 2; minus strand). Cytogenetic location: 7q36.1.
Variant type: single nucleotide variant.
Coding change: c.1819A>T on transcript NM_000238.4 (MANE Select); coding-DNA position 1819, A replaced by T.
Protein change: p.Ile607Phe; replaces isoleucine 607 with phenylalanine.
Molecular consequence: missense variant.
Genome position (GRCh38, 1-based): chr7:150,951,574, T>A on the plus strand (A>T on the coding strand, the complement: KCNH2 is on the minus strand). VCF-style: chr7-150951574-T-A. GRCh37 (hg19) VCF-style: chr7-150648662-T-A.
Other names: c.799A>T, p.Ile267Phe (NM_001204798.2, NM_172057.3); c.1531A>T, p.Ile511Phe (NM_001406753.1, NM_001406756.1); c.1642A>T, p.Ile548Phe (NM_001406755.1); c.1519A>T, p.Ile507Phe (NM_001406757.1); c.1819A>T, p.Ile607Phe (NM_172056.3); short protein forms I267F, I607F, I548F, I511F, I507F.
Identifiers: ClinVar variation 418245 (VCV000418245.6), dbSNP rs1064793146, ClinGen allele CA16618409.